The following is an entry in ClinVar:

NM_017802.4(DNAAF5):c.1707G>T (p.Arg569=)

Gene: DNAAF5 (dynein axonemal assembly factor 5; plus strand). Cytogenetic location: 7p22.3.
Variant type: single nucleotide variant.
Coding change: c.1707G>T on transcript NM_017802.4 (MANE Select); coding-DNA position 1707, G replaced by T.
Protein change: p.Arg569=; no amino-acid change (arginine 569 retained).
Molecular consequence: synonymous variant. On other transcripts: non-coding transcript variant (1).
Genome position (GRCh38, 1-based): chr7:763,898, G>T. VCF-style: chr7-763898-G-T. GRCh37 (hg19) VCF-style: chr7-803535-G-T.
Identifiers: ClinVar variation 260929 (VCV000260929.40), dbSNP rs180946359, ClinGen allele CA4110825.

ClinVar aggregate classification (germline): Benign/Likely benign. Review status: criteria provided, multiple submitters, no conflicts (2 of 4 stars). 6 submissions from 6 submitters: Benign (1); Likely benign (5). Last evaluated 2025-11-04.

Conditions:
Primary ciliary dyskinesia. Also called: Ciliary dyskinesia. Identifiers: Orphanet 244, MedGen C0008780, MONDO:0016575, HP:0012265.

Allele frequency attached by ClinVar (database versions not stated): ESP Exome Variant Server 0.00008; 1000 Genomes Project 30x 0.00016; TOPMed 0.00016; 1000 Genomes Project 0.00020; gnomAD 0.00064 and 0.00070.
gnomAD v4.1: 544 of 1,612,690 alleles (0.034%); highest among the groups gnomAD compares: Non-Finnish European, 0.019%; 2 homozygotes.

Submissions (6):

Labcorp Genetics (formerly Invitae), Labcorp
Classification: Benign for Primary ciliary dyskinesia. Last evaluated: 2025-11-04. Review status: criteria provided, single submitter. Criteria: Invitae Variant Classification Sherloc (09022015). Collection method: clinical testing. Allele origin: germline.

Laboratory of Genetics, Children's Clinical University Hospital Latvia
Classification: Likely benign. Last evaluated: 2025-02-16. Review status: criteria provided, single submitter. Criteria: ACMG Guidelines, 2015. Collection method: clinical testing. Allele origin: germline. Affected: yes.

Blueprint Genetics
Classification: Likely benign. Last evaluated: 2024-11-26. Review status: criteria provided, single submitter. Criteria: ACMG Guidelines, 2015. Collection method: clinical testing. Allele origin: germline.

CeGaT Center for Human Genetics Tuebingen
Classification: Likely benign. Last evaluated: 2022-05-01. Review status: criteria provided, single submitter. Criteria: CeGaT Center For Human Genetics Tuebingen Variant Classification Criteria Version 2. Collection method: clinical testing. Allele origin: germline. Affected: yes. Observed: 1 variant allele.
Comment: DNAAF5: BP4, BP7

Ambry Genetics
Classification: Likely benign for Primary ciliary dyskinesia. Last evaluated: 2022-04-03. Review status: criteria provided, single submitter. Criteria: Ambry Variant Classification Scheme 2023. Collection method: clinical testing. Allele origin: germline.

PreventionGenetics, part of Exact Sciences
Classification: Likely benign. Review status: criteria provided, single submitter. Criteria: ACMG Guidelines, 2015. Collection method: clinical testing. Allele origin: germline.